The following is an entry in ClinVar:

NM_002661.5(PLCG2):c.2655G>A (p.Pro885=)

Gene: PLCG2 (phospholipase C gamma 2; plus strand). Cytogenetic location: 16q23.3.
Variant type: single nucleotide variant.
Coding change: c.2655G>A on transcript NM_002661.5 (MANE Select); coding-DNA position 2655, G replaced by A.
Protein change: p.Pro885=; no amino-acid change (proline 885 retained).
Molecular consequence: synonymous variant.
Genome position (GRCh38, 1-based): chr16:81,931,570, G>A. VCF-style: chr16-81931570-G-A. GRCh37 (hg19) VCF-style: chr16-81965175-G-A.
Identifiers: ClinVar variation 747813 (VCV000747813.15), dbSNP rs187441573, ClinGen allele CA8194389.

ClinVar aggregate classification (germline): Benign/Likely benign. Review status: criteria provided, multiple submitters, no conflicts (2 of 4 stars). 4 submissions from 4 submitters: Benign (2); Likely benign (1). 1 of the submissions does not count toward it. Last evaluated 2025-11-03.

Conditions:
Familial cold autoinflammatory syndrome 3 (FCAS3). Also called: ANTIBODY DEFICIENCY AND IMMUNE DYSREGULATION, PLCG2-ASSOCIATED; FAMILIAL ATYPICAL COLD URTICARIA. Identifiers: Orphanet 300359, MedGen C3280914, MONDO:0013766, OMIM 614468.
PLCG2-related disorder. Also called: PLCG2-related condition.
Autoinflammation-PLCG2-associated antibody deficiency-immune dysregulation. Also called: Autoinflammation, antibody deficiency, and immune dysregulation, plcg2-associated; AUTOINFLAMMATION, ANTIBODY DEFICIENCY, AND IMMUNE DYSREGULATION; Autoinflammation, antibody deficiency, and immune dysregulation syndrome. Identifiers: Orphanet 324530, MedGen C3553961, MONDO:0013944, OMIM 614878.

Allele frequency attached by ClinVar (database versions not stated): gnomAD exomes 0.00004 and 0.00009; ExAC 0.00009; gnomAD 0.00029 and 0.00030; TOPMed 0.00029; ESP Exome Variant Server 0.00058; 1000 Genomes Project 0.00060; 1000 Genomes Project 30x 0.00062.
gnomAD v4.1: 116 of 1,614,062 alleles (0.0072%); highest among the groups gnomAD compares: African/African-American, 0.11%; 1 homozygote.

Submissions (4):

Labcorp Genetics (formerly Invitae), Labcorp
Classification: Benign for Familial cold autoinflammatory syndrome 3. Last evaluated: 2025-11-03. Review status: criteria provided, single submitter. Criteria: Invitae Variant Classification Sherloc (09022015). Collection method: clinical testing. Allele origin: germline.

ARUP Laboratories, Molecular Genetics and Genomics, ARUP Laboratories
Classification: Benign. Last evaluated: 2025-03-13. Review status: criteria provided, single submitter. Criteria: ARUP Molecular Germline Variant Investigation Process 2024. Collection method: clinical testing. Allele origin: germline.

Fulgent Genetics
Classification: Likely benign for Familial cold autoinflammatory syndrome 3; Autoinflammation-PLCG2-associated antibody deficiency-immune dysregulation. Last evaluated: 2021-10-20. Review status: criteria provided, single submitter. Criteria: ACMG Guidelines, 2015. Collection method: clinical testing. Allele origin: unknown.

PreventionGenetics, part of Exact Sciences
Classification: Likely benign for PLCG2-related condition. Last evaluated: 2019-05-23. Review status: no assertion criteria provided. Collection method: clinical testing. Allele origin: germline. Not counted in ClinVar's aggregate classification.
Comment: This variant is classified as likely benign based on ACMG/AMP sequence variant interpretation guidelines (Richards et al. 2015 PMID: 25741868, with internal and published modifications).